The following is an entry in ClinVar:

NM_000092.5(COL4A4):c.2611C>T (p.Leu871Phe)

Gene: COL4A4 (collagen type IV alpha 4 chain; minus strand). Cytogenetic location: 2q36.3.
Variant type: single nucleotide variant.
Coding change: c.2611C>T on transcript NM_000092.5 (MANE Select); coding-DNA position 2611, C replaced by T.
Protein change: p.Leu871Phe; replaces leucine 871 with phenylalanine.
Molecular consequence: missense variant.
Genome position (GRCh38, 1-based): chr2:227,056,050, G>A on the plus strand (C>T on the coding strand, the complement: COL4A4 is on the minus strand). VCF-style: chr2-227056050-G-A. GRCh37 (hg19) VCF-style: chr2-227920766-G-A.
Other names: short protein forms L871F.
Identifiers: ClinVar variation 1002742 (VCV001002742.7), dbSNP rs910142548, ClinGen allele CA66585160.

ClinVar aggregate classification (germline): Uncertain significance. Review status: criteria provided, single submitter (1 of 4 stars). 2 submissions from 2 submitters: Uncertain significance (1). 1 of the submissions does not count toward it. Last evaluated 2021-08-27.

Conditions:
Alport syndrome. Also called: Hemorrhagic familial nephritis; Hemorrhagic hereditary nephritis; Congenital hereditary hematuria. Identifiers: Orphanet 63, MedGen C1567741, MONDO:0018965.

Submissions (2):

Labcorp Genetics (formerly Invitae), Labcorp
Classification: Uncertain significance. Last evaluated: 2021-08-27. Review status: criteria provided, single submitter. Criteria: Invitae Variant Classification Sherloc (09022015). Collection method: clinical testing. Allele origin: germline.
Comment: This sequence change replaces leucine with phenylalanine at codon 871 of the COL4A4 protein (p.Leu871Phe). The leucine residue is moderately conserved and there is a small physicochemical difference between leucine and phenylalanine. This variant is not present in population databases (ExAC no frequency). This variant has not been reported in the literature in individuals affected with COL4A4-related conditions. Advanced modeling of protein sequence and biophysical properties (such as structural, functional, and spatial information, amino acid conservation, physicochemical variation, residue mobility, and thermodynamic stability) performed at Invitae indicates that this missense variant is not expected to disrupt COL4A4 protein function. In summary, the available evidence is currently insufficient to determine the role of this variant in disease. Therefore, it has been classified as a Variant of Uncertain Significance.

Natera, Inc.
Classification: Uncertain significance for Alport syndrome. Last evaluated: 2021-01-05. Review status: no assertion criteria provided. Collection method: clinical testing. Allele origin: germline. Not counted in ClinVar's aggregate classification.